The following is an entry in ClinVar:

NM_013432.5(TONSL):c.775_776del (p.Leu259fs)

Gene: TONSL (tonsoku like, DNA repair protein; minus strand). Cytogenetic location: 8q24.3.
Variant type: Deletion.
Coding change: c.775_776del on transcript NM_013432.5 (MANE Select); coding-DNA positions 775 to 776, 2 bases deleted (TT; older notation c.775_776delTT).
Protein change: p.Leu259fs; shifts the reading frame from leucine 259.
Molecular consequence: frameshift variant.
Genome position (GRCh38, 1-based): chr8:144,442,126-144,442,127, AA deleted on the plus strand (TT on the coding strand, the reverse complement: TONSL is on the minus strand); deleting any 2 consecutive bases within chr8:144,442,126-144,442,130 gives the same sequence; the c. name uses the placement nearest the transcript's 3' end. VCF-style (leftmost placement, unchanged base first): chr8-144442125-CAA-C. GRCh37 (hg19) VCF-style: chr8-145667508-CAA-C.
Other names: short protein forms L259fs.
Identifiers: ClinVar variation 1457804 (VCV001457804.6), dbSNP rs1246994520, ClinGen allele CA2573143033.
Genomic context (GRCh38, chr8:144,442,125, plus strand): 5'-CCTCTGCACAGGCTTCTGGGAGCCCAGCCTGTAGGCCTTCTTCAGGGCTCGCTTGGCAGC[CAA>C]AAAGTCTCCCAGGTCTTGGAGGACCTGGAGAGCAAAGGACAGCAAAGGTTTTGCAGAATC-3'

ClinVar aggregate classification (germline): Pathogenic (1 of 4 stars; one submission).

Submission:

Labcorp Genetics (formerly Invitae), Labcorp
Classification: Pathogenic. Last evaluated: 2021-09-06. Review status: criteria provided, single submitter. Criteria: Invitae Variant Classification Sherloc (09022015). Collection method: clinical testing. Allele origin: germline.
Comment: This sequence change creates a premature translational stop signal (p.Leu259Glyfs*44) in the TONSL gene. It is expected to result in an absent or disrupted protein product. Loss-of-function variants in TONSL are known to be pathogenic (PMID: 30773277). This variant is not present in population databases (ExAC no frequency). This variant has not been reported in the literature in individuals affected with TONSL-related conditions. For these reasons, this variant has been classified as Pathogenic.

Literature cited by the submitters: PubMed 30773277.